The following is an entry in ClinVar:

NM_000059.4(BRCA2):c.9220C>T (p.Leu3074=)

Gene: BRCA2 (BRCA2 DNA repair associated; plus strand). Cytogenetic location: 13q13.1.
Variant type: single nucleotide variant.
Coding change: c.9220C>T on transcript NM_000059.4 (MANE Select); coding-DNA position 9220, C replaced by T.
Protein change: p.Leu3074=; no amino-acid change (leucine 3074 retained).
Molecular consequence: synonymous variant.
Genome position (GRCh38, 1-based): chr13:32,380,109, C>T. VCF-style: chr13-32380109-C-T. GRCh37 (hg19) VCF-style: chr13-32954246-C-T.
Identifiers: ClinVar variation 427491 (VCV000427491.16), dbSNP rs151275325, ClinGen allele CA6941357.

ClinVar aggregate classification (germline): Likely benign. Review status: reviewed by expert panel (3 of 4 stars). 3 submissions from 3 submitters: Likely benign (1). 2 of the submissions do not count toward it. Last evaluated 2017-06-29.

Conditions:
Hereditary cancer-predisposing syndrome. Also called: Hereditary neoplastic syndrome; Hereditary Cancer Syndrome; Neoplastic Syndromes, Hereditary; Tumor predisposition. Identifiers: Orphanet 140162, MedGen C0027672, MeSH D009386, MONDO:0015356.
Breast-ovarian cancer, familial, susceptibility to, 2 (BROVCA2). Also called: BRCA2 Hereditary Breast and Ovarian Cancer. Identifiers: Orphanet 145, MedGen C2675520, MONDO:0012933, OMIM 612555. Disease mechanism: loss of function.
Hereditary breast ovarian cancer syndrome. Also called: Hereditary breast and ovarian cancer syndrome; BRCA1- and BRCA2-Associated Hereditary Breast and Ovarian Cancer; Hereditary breast and/or ovarian cancer syndrome; Hereditary breast and ovarian cancer; Breast and ovarian cancer; Hereditary breast and ovarian cancer syndrome (HBOC). Identifiers: Orphanet 145, MedGen C0677776, MeSH D061325, MONDO:0003582. Disease mechanism: loss of function.

Allele frequency attached by ClinVar (database versions not stated): gnomAD exomes below 0.00001; ExAC 0.00001; gnomAD 0.00001; 1000 Genomes Project 30x 0.00016; 1000 Genomes Project 0.00020.

Submissions (3):

Evidence-based Network for the Interpretation of Germline Mutant Alleles (ENIGMA)
Classification: Likely benign for Breast-ovarian cancer, familial, susceptibility to, 2. Last evaluated: 2017-06-29. Review status: reviewed by expert panel. Criteria: ENIGMA BRCA1/2 Classification Criteria (2017-06-29). Collection method: curation. Allele origin: germline.
Comment: Synonymous substitution variant, with low bioinformatic likelihood to result in a splicing aberration (Splicing prior probability 0.02).

Ambry Genetics
Classification: Likely benign for Hereditary cancer-predisposing syndrome. Last evaluated: 2021-11-05. Review status: criteria provided, single submitter. Criteria: Ambry Variant Classification Scheme 2023. Collection method: clinical testing. Allele origin: germline. Not counted in ClinVar's aggregate classification.

Labcorp Genetics (formerly Invitae), Labcorp
Classification: Likely benign for Hereditary breast ovarian cancer syndrome. Last evaluated: 2019-12-30. Review status: criteria provided, single submitter. Criteria: Invitae Variant Classification Sherloc (09022015). Collection method: clinical testing. Allele origin: germline. Not counted in ClinVar's aggregate classification.